The following is an entry in ClinVar:

NM_005654.6(NR2F1):c.314G>A (p.Gly105Asp)

Genes: NR2F1 (nuclear receptor subfamily 2 group F member 1; plus strand), NR2F1-AS1 (NR2F1 antisense RNA 1; minus strand). Cytogenetic location: 5q15.
Variant type: single nucleotide variant.
Coding change: c.314G>A on transcript NM_005654.6 (MANE Select); coding-DNA position 314, G replaced by A.
Protein change: p.Gly105Asp; replaces glycine 105 with aspartic acid.
Molecular consequence: missense variant.
Genome position (GRCh38, 1-based): chr5:93,585,337, G>A. VCF-style: chr5-93585337-G-A. GRCh37 (hg19) VCF-style: chr5-92921043-G-A.
Other names: short protein forms G105D.
Identifiers: ClinVar variation 452436 (VCV000452436.2), dbSNP rs1554074681, ClinGen allele CA360525998.

ClinVar aggregate classification (germline): Uncertain significance (1 of 4 stars; one submission).

Submission:

GeneDx
Classification: Uncertain significance. Last evaluated: 2017-10-12. Review status: criteria provided, single submitter. Criteria: GeneDx Variant Classification (06012015). Collection method: clinical testing. Allele origin: germline. Affected: yes.
Comment: The G105D variant in the NR2F1 gene has not been reported previously as a pathogenic variant, nor as a benign variant, to our knowledge. The G105D variant is not observed in large population cohorts (Lek et al., 2016). The G105D variant is a non-conservative amino acid substitution, which is likely to impact secondary protein structure as these residues differ in polarity, charge, size and/or other properties. This substitution occurs within the DNA binding domain at a position that is conserved across species, and in silico analysis predicts this variant is probably damaging to the protein structure/function. We interpret G105D as a variant of uncertain significance.